The following is an entry in ClinVar:

NM_000363.5(TNNI3):c.511G>A (p.Ala171Thr)

Gene: TNNI3 (troponin I3, cardiac type; minus strand). Cytogenetic location: 19q13.42.
Variant type: single nucleotide variant.
Coding change: c.511G>A on transcript NM_000363.5 (MANE Select); coding-DNA position 511, G replaced by A.
Protein change: p.Ala171Thr; replaces alanine 171 with threonine.
Molecular consequence: missense variant.
Genome position (GRCh38, 1-based): chr19:55,154,068, C>T on the plus strand (G>A on the coding strand, the complement: TNNI3 is on the minus strand). VCF-style: chr19-55154068-C-T. GRCh37 (hg19) VCF-style: chr19-55665436-C-T.
Other names: short protein forms A171T.
Identifiers: ClinVar variation 12429 (VCV000012429.14), dbSNP rs121917761, ClinGen allele CA021791.

ClinVar aggregate classification (germline): Conflicting classifications of pathogenicity. Review status: criteria provided, conflicting classifications (1 of 4 stars). 6 submissions from 6 submitters: Likely pathogenic (2); Uncertain significance (3). 1 of the submissions does not count toward it. Last evaluated 2025-10-07.

Conditions:
TNNI3-related disorder. Also called: TNNI3-related disorders; TNNI3-related condition.
Cardiovascular phenotype. Identifiers: MedGen CN230736.
Cardiomyopathy (CMYO). Also called: Cardiomyopathies. Identifiers: Orphanet 167848, MedGen C0878544, MONDO:0004994, HP:0001638. Inheritance: Various modes of inheritance.
Cardiomyopathy, familial restrictive, 1. Identifiers: Orphanet 75249, MedGen C1861861, MONDO:0007270, OMIM 115210.
Hypertrophic cardiomyopathy. Also called: HYPERTROPHIC MYOCARDIOPATHY. Identifiers: Orphanet 217569, MedGen C0007194, MeSH D002312, MONDO:0005045, HP:0001639.

Allele frequency attached by ClinVar (database versions not stated): gnomAD exomes below 0.00001.

Submissions (6):

Color Diagnostics, LLC DBA Color Health
Classification: Uncertain significance for Cardiomyopathy. Last evaluated: 2025-10-07. Review status: criteria provided, single submitter. Criteria: ACMG Guidelines, 2015. Collection method: clinical testing. Allele origin: germline.
Comment: This missense variant replaces alanine with threonine at codon 171 of the TNNI3 protein. This variant is found within a conserved C-terminal mobile domain (a.a. 164-210). Missense variants in this region have been shown to be significantly overrepresented in individuals with affected with hypertrophic cardiomyopathy (PMID: 30696458). Computational prediction suggests that this variant may have deleterious impact on protein structure and function. Functional studies have shown that this variant affects TNNI3 protein function (PMID: 15961398, 16288990, 18423659). This variant has been reported in five individuals affected with hypertrophic cardiomyopathy (PMID: 25351510, 27532257, 33954932, 35208637, 35838873) and in an individual affected with restrictive cardiomyopathy (PMID: 12531876). This variant has been identified in 1/1460592 chromosomes in the general population by the Genome Aggregation Database (gnomAD). The available evidence is insufficient to determine the role of this variant in disease conclusively. Therefore, this variant is classified as a Variant of Uncertain Significance.

Ambry Genetics
Classification: Uncertain significance for Cardiovascular phenotype. Last evaluated: 2024-12-28. Review status: criteria provided, single submitter. Criteria: Ambry Variant Classification Scheme 2023. Collection method: clinical testing. Allele origin: germline.
Comment: The p.A171T variant (also known as c.511G>A), located in coding exon 7 of the TNNI3 gene, results from a G to A substitution at nucleotide position 511. The alanine at codon 171 is replaced by threonine, an amino acid with similar properties. This variant was reported in individual(s) with features consistent with hypertrophic cardiomyopathy and restrictive cardiomyopathy (Mogensen J et al. J Clin Invest, 2003 Jan;111:209-16; Lopes LR et al. Heart, 2015 Feb;101:294-301; Walsh R et al. Genet Med, 2017 Feb;19:192-203; Janin A et al. Mol Diagn Ther, 2022 Sep;26:551-560; Preveden A et al. Medicina (Kaunas), 2022 Feb;58:[ePub ahead of print]). In an assay testing TNNI3 function, this variant showed a functionally abnormal result (Gomes AV et al. J Biol Chem, 2005 Sep;280:30909-15; Davis J et al. J Mol Cell Cardiol, 2008 May;44:891-904). This amino acid position is well conserved in available vertebrate species. In addition, this alteration is predicted to be deleterious by in silico analysis. Based on the available evidence, the clinical significance of this variant remains unclear.

Labcorp Genetics (formerly Invitae), Labcorp
Classification: Likely pathogenic for Hypertrophic cardiomyopathy. Last evaluated: 2024-11-04. Review status: criteria provided, single submitter. Criteria: Invitae Variant Classification Sherloc (09022015). Collection method: clinical testing. Allele origin: germline.
Comment: This sequence change replaces alanine, which is neutral and non-polar, with threonine, which is neutral and polar, at codon 171 of the TNNI3 protein (p.Ala171Thr). This variant is not present in population databases (gnomAD no frequency). This missense change has been observed in individuals with restrictive cardiomyopathy or hypertrophic cardiomyopathy (PMID: 12531876, 27532257, 30384889, 35208637, 35838873; Internal data). ClinVar contains an entry for this variant (Variation ID: 12429). An algorithm developed to predict the effect of missense changes on protein structure and function (PolyPhen-2) suggests that this variant is likely to be disruptive. Experimental studies have shown that this missense change affects TNNI3 function (PMID: 15961398, 16288990, 18423659). In summary, the currently available evidence indicates that the variant is pathogenic, but additional data are needed to prove that conclusively. Therefore, this variant has been classified as Likely Pathogenic.

Women's Health and Genetics/Laboratory Corporation of America, LabCorp
Classification: Uncertain significance. Last evaluated: 2021-12-28. Review status: criteria provided, single submitter. Criteria: LabCorp Variant Classification Summary - May 2015. Collection method: clinical testing. Allele origin: germline.
Comment: Variant summary: TNNI3 c.511G>A (p.Ala171Thr) results in a non-conservative amino acid change in the encoded protein sequence. Four of five in-silico tools predict a damaging effect of the variant on protein function. The variant was absent in 248984 control chromosomes. The available data on variant occurrences in the general population are insufficient to allow any conclusion about variant significance. It has also been reported with a likely pathogenic classification in an individual reportedly affected with hypertrophic cardiomyopathy (HCM) within the Oxford Medical Genetics Laboratories (OMGL) testing cohort (example, Walsh_2017). These report(s) do not provide unequivocal conclusions about association of the variant with Restrcitve/Hypertrophic Cardiomyopathy. At-least two publications report experimental evidence evaluating an impact on protein function (example, Gomes_2005, Yumoto_2005), however, none of these studies allows convincing conclusions about the variant effect. Briefly summarized, this variant demonstrated an increase in Calcium sensitivity of force development compared with WT cTnI, caused a decrease in ability of cTnI to inhibit actomyosin ATPase activity and using mixtures of WT and mutant cTnI, this variant was classified into the dominant group (along with two other variants) in actomyosin ATPase assays in the absence of calcium ion. Most of the mutants were able to activate actomyosin ATPase similarly to wild-type. As represented, the data on this variant do not allow unequivocal contributions to ascertain as a strong evidence surrounding the pathophysiology of disease. One clinical diagnostic laboratory has submitted clinical-significance assessments for this variant to ClinVar after 2014 without evidence for independent evaluation and classified the variant as uncertain significance. Based on the evidence outlined above, the variant was classified as uncertain significance.

Blueprint Genetics
Classification: Likely pathogenic for TNNI3-related disorders. Last evaluated: 2019-11-20. Review status: criteria provided, single submitter. Criteria: ACMG Guidelines, 2015. Collection method: clinical testing. Allele origin: germline. Affected: yes. Observed: 1 variant allele.

OMIM
Classification: Pathogenic for CARDIOMYOPATHY, FAMILIAL RESTRICTIVE, 1. Last evaluated: 2003-01-01. Review status: no assertion criteria provided. Collection method: literature only. Allele origin: germline. Not counted in ClinVar's aggregate classification.

Literature cited by the submitters: PubMed 12531876 (cited by 5 submitters); PubMed 15961398 (cited by 4 submitters); PubMed 16288990 (cited by 3 submitters); PubMed 18423659 (cited by 3 submitters); PubMed 25351510 (cited by Color Diagnostics, LLC DBA Color Health and Ambry Genetics); PubMed 27532257 (cited by 4 submitters); PubMed 30696458 (cited by Color Diagnostics, LLC DBA Color Health); PubMed 33954932 (cited by Color Diagnostics, LLC DBA Color Health); PubMed 35208637 (cited by 3 submitters); PubMed 35838873 (cited by 3 submitters); PubMed 30384889 (cited by Labcorp Genetics (formerly Invitae), Labcorp); PubMed 33429969 (cited by Women's Health and Genetics/Laboratory Corporation of America, LabCorp).